The following is an entry in ClinVar:

ClinVar aggregate classification (germline): Uncertain significance. Review status: criteria provided, multiple submitters, no conflicts (2 of 4 stars). 2 submissions from 2 submitters: Uncertain significance (2). Last evaluated 2025-05-17.

Conditions:
Emery-Dreifuss muscular dystrophy 5, autosomal dominant (EDMD5). Also called: EMERY-DREIFUSS MUSCULAR DYSTROPHY 5. Identifiers: Orphanet 261, MedGen C2751805, MONDO:0013072, OMIM 612999.

gnomAD v4.1: 15 of 1,613,916 alleles (0.00093%); highest among the groups gnomAD compares: Middle Eastern, 0.016%; no homozygotes.

Submissions (2):

Ambry Genetics
Classification: Uncertain significance. Last evaluated: 2025-05-17. Review status: criteria provided, single submitter. Criteria: Ambry Variant Classification Scheme 2023. Collection method: clinical testing. Allele origin: germline.

Labcorp Genetics (formerly Invitae), Labcorp
Classification: Uncertain significance for Emery-Dreifuss muscular dystrophy 5, autosomal dominant. Last evaluated: 2024-12-17. Review status: criteria provided, single submitter. Criteria: Invitae Variant Classification Sherloc (09022015). Collection method: clinical testing. Allele origin: germline.
Comment: This sequence change replaces valine, which is neutral and non-polar, with methionine, which is neutral and non-polar, at codon 1446 of the SYNE2 protein (p.Val1446Met). This variant is present in population databases (rs757289089, gnomAD 0.0009%). This variant has not been reported in the literature in individuals affected with SYNE2-related conditions. An algorithm developed to predict the effect of missense changes on protein structure and function (PolyPhen-2) suggests that this variant is likely to be tolerated. In summary, the available evidence is currently insufficient to determine the role of this variant in disease. Therefore, it has been classified as a Variant of Uncertain Significance.

NM_182914.3(SYNE2):c.4336G>A (p.Val1446Met)

Gene: SYNE2 (spectrin repeat containing nuclear envelope protein 2; plus strand). Cytogenetic location: 14q23.2.
Variant type: single nucleotide variant.
Coding change: c.4336G>A on transcript NM_182914.3 (MANE Select); coding-DNA position 4336, G replaced by A.
Protein change: p.Val1446Met; replaces valine 1446 with methionine.
Molecular consequence: missense variant.
Genome position (GRCh38, 1-based): chr14:64,003,269, G>A. VCF-style: chr14-64003269-G-A. GRCh37 (hg19) VCF-style: chr14-64469987-G-A.
Other names: c.4336G>A, p.Val1446Met (NM_015180.6); c.4336G>A (NM_182914.2); short protein forms V1446M.
Identifiers: ClinVar variation 3666010 (VCV003666010.3).